The following is an entry in ClinVar:

NM_001035.3(RYR2):c.10725+6T>C

Gene: RYR2 (ryanodine receptor 2; plus strand). Cytogenetic location: 1q43.
Variant type: single nucleotide variant.
Coding change: c.10725+6T>C on transcript NM_001035.3 (MANE Select); 6 bases into the intron after coding-DNA position 10725, T replaced by C.
Molecular consequence: intron variant.
Genome position (GRCh38, 1-based): chr1:237,726,314, T>C. VCF-style: chr1-237726314-T-C. GRCh37 (hg19) VCF-style: chr1-237889614-T-C.
Identifiers: ClinVar variation 1481873 (VCV001481873.7), dbSNP rs2149138948, ClinGen allele CA2573132866.

ClinVar aggregate classification (germline): Uncertain significance (1 of 4 stars; one submission).

Conditions:
Catecholaminergic polymorphic ventricular tachycardia 1. Also called: VENTRICULAR TACHYCARDIA, CATECHOLAMINERGIC POLYMORPHIC, 1, WITH OR WITHOUT ATRIAL DYSFUNCTION AND/OR DILATED CARDIOMYOPATHY; RYR2-Related Catecholaminergic Polymorphic Ventricular Tachycardia; VENTRICULAR TACHYCARDIA, STRESS-INDUCED POLYMORPHIC 1. Identifiers: Orphanet 3286, MedGen C1631597, MONDO:0011484, OMIM 604772.

gnomAD v4.1: 2 of 1,572,192 alleles (0.00013%); highest among the groups gnomAD compares: Non-Finnish European, 0.00017%; no homozygotes.

Submission:

Labcorp Genetics (formerly Invitae), Labcorp
Classification: Uncertain significance for Catecholaminergic polymorphic ventricular tachycardia 1. Last evaluated: 2020-11-05. Review status: criteria provided, single submitter. Criteria: Invitae Variant Classification Sherloc (09022015). Collection method: clinical testing. Allele origin: germline.
Comment: This variant has not been reported in the literature in individuals with RYR2-related conditions. Nucleotide substitutions within the consensus splice site are a relatively common cause of aberrant splicing (PMID: 17576681, 9536098). In summary, the available evidence is currently insufficient to determine the role of this variant in disease. Therefore, it has been classified as a Variant of Uncertain Significance. This variant is not present in population databases (ExAC no frequency). This sequence change falls in intron 75 of the RYR2 gene. It does not directly change the encoded amino acid sequence of the RYR2 protein. It affects a nucleotide within the consensus splice site of the intron.

Literature cited by the submitters: PubMed 17576681; PubMed 9536098.